The following is an entry in ClinVar:

NM_003079.5(SMARCE1):c.938G>T (p.Arg313Leu)

Gene: SMARCE1 (SWI/SNF related BAF chromatin remodeling complex subunit E1; minus strand). Cytogenetic location: 17q21.2.
Variant type: single nucleotide variant.
Coding change: c.938G>T on transcript NM_003079.5 (MANE Select); coding-DNA position 938, G replaced by T.
Protein change: p.Arg313Leu; replaces arginine 313 with leucine.
Molecular consequence: missense variant.
Genome position (GRCh38, 1-based): chr17:40,630,803, C>A on the plus strand (G>T on the coding strand, the complement: SMARCE1 is on the minus strand). VCF-style: chr17-40630803-C-A. GRCh37 (hg19) VCF-style: chr17-38787055-C-A.
Other names: c.938G>T (NM_003079.4); short protein forms R313L.
Identifiers: ClinVar variation 1351275 (VCV001351275.9), dbSNP rs201577008, ClinGen allele CA8545133.

ClinVar aggregate classification (germline): Uncertain significance. Review status: criteria provided, multiple submitters, no conflicts (2 of 4 stars). 4 submissions from 4 submitters: Uncertain significance (4). Last evaluated 2025-10-26.

Conditions:
Hereditary cancer-predisposing syndrome. Also called: Neoplastic Syndromes, Hereditary; Tumor predisposition; Hereditary neoplastic syndrome; Hereditary Cancer Syndrome. Identifiers: Orphanet 140162, MedGen C0027672, MeSH D009386, MONDO:0015356.
Familial meningioma. Also called: Meningioma, familial, susceptibility to. Identifiers: Orphanet 263662, MedGen C3551915, MONDO:0011789, OMIM 607174.

gnomAD v4.1: 2 of 1,614,076 alleles (0.00012%); highest among the groups gnomAD compares: Admixed American, 0.0017%; no homozygotes.

Submissions (4):

Ambry Genetics
Classification: Uncertain significance for Hereditary cancer-predisposing syndrome. Last evaluated: 2025-10-26. Review status: criteria provided, single submitter. Criteria: Ambry Variant Classification Scheme 2023. Collection method: clinical testing. Allele origin: germline.
Comment: The p.R313L variant (also known as c.938G>T), located in coding exon 9 of the SMARCE1 gene, results from a G to T substitution at nucleotide position 938. The arginine at codon 313 is replaced by leucine, an amino acid with dissimilar properties. This amino acid position is conserved. In addition, this alteration is predicted to be tolerated by in silico analysis. Based on the available evidence, the clinical significance of this variant remains unclear.

Labcorp Genetics (formerly Invitae), Labcorp
Classification: Uncertain significance for Familial meningioma. Last evaluated: 2025-02-10. Review status: criteria provided, single submitter. Criteria: Invitae Variant Classification Sherloc (09022015). Collection method: clinical testing. Allele origin: germline.
Comment: This sequence change replaces arginine, which is basic and polar, with leucine, which is neutral and non-polar, at codon 313 of the SMARCE1 protein (p.Arg313Leu). This variant is present in population databases (rs201577008, gnomAD 0.003%). This variant has not been reported in the literature in individuals affected with SMARCE1-related conditions. ClinVar contains an entry for this variant (Variation ID: 1351275). Invitae Evidence Modeling of protein sequence and biophysical properties (such as structural, functional, and spatial information, amino acid conservation, physicochemical variation, residue mobility, and thermodynamic stability) indicates that this missense variant is not expected to disrupt SMARCE1 protein function with a negative predictive value of 80%. In summary, the available evidence is currently insufficient to determine the role of this variant in disease. Therefore, it has been classified as a Variant of Uncertain Significance.

Women's Health and Genetics/Laboratory Corporation of America, LabCorp
Classification: Uncertain significance. Last evaluated: 2024-08-29. Review status: criteria provided, single submitter. Criteria: LabCorp Variant Classification Summary - May 2015. Collection method: clinical testing. Allele origin: germline.
Comment: Variant summary: SMARCE1 c.938G>T (p.Arg313Leu) results in a non-conservative amino acid change in the encoded protein sequence. Three of five in-silico tools predict a benign effect of the variant on protein function. The variant allele was found at a frequency of 8e-06 in 251388 control chromosomes. The available data on variant occurrences in the general population are insufficient to allow any conclusion about variant significance. To our knowledge, no occurrence of c.938G>T in individuals affected with Familial Meningioma and no experimental evidence demonstrating its impact on protein function have been reported. ClinVar contains an entry for this variant (Variation ID: 1351275). Based on the evidence outlined above, the variant was classified as uncertain significance.

Baylor Genetics
Classification: Uncertain significance for Familial meningioma. Last evaluated: 2023-09-28. Review status: criteria provided, single submitter. Criteria: ACMG Guidelines, 2015. Collection method: clinical testing. Allele origin: unknown.